The following is an entry in ClinVar:

ClinVar aggregate classification (germline): Pathogenic (1 of 4 stars; one submission).

Conditions:
Neurofibromatosis, type 1 (NF1). Also called: VON RECKLINGHAUSEN DISEASE; Peripheral type neurofibromatosis; NEUROFIBROMATOSIS, TYPE I, SOMATIC; Neurofibromatosis, type I. Identifiers: Orphanet 636, MedGen C0027831, MONDO:0018975, OMIM 162200. Disease mechanism: loss of function.

Submission:

Labcorp Genetics (formerly Invitae), Labcorp
Classification: Pathogenic for Neurofibromatosis, type 1. Last evaluated: 2024-05-05. Review status: criteria provided, single submitter. Criteria: Invitae Variant Classification Sherloc (09022015). Collection method: clinical testing. Allele origin: germline.
Comment: This sequence change affects a donor splice site in intron 23 of the NF1 gene. It is expected to disrupt RNA splicing. Variants that disrupt the donor or acceptor splice site typically lead to a loss of protein function (PMID: 16199547), and loss-of-function variants in NF1 are known to be pathogenic (PMID: 10712197, 23913538). This variant is not present in population databases (gnomAD no frequency). Disruption of this splice site has been observed in individuals with neurofibromatosis type I (Invitae). ClinVar contains an entry for this variant (Variation ID: 1074026). Algorithms developed to predict the effect of sequence changes on RNA splicing suggest that this variant may disrupt the consensus splice site. For these reasons, this variant has been classified as Pathogenic.

Literature cited by the submitters: PubMed 16199547; PubMed 10712197; PubMed 23913538.

NM_001042492.3(NF1):c.3113+2T>A

Gene: NF1 (neurofibromin 1; plus strand). Cytogenetic location: 17q11.2.
Variant type: single nucleotide variant.
Coding change: c.3113+2T>A on transcript NM_001042492.3 (MANE Select); the canonical splice donor site of the intron after coding-DNA position 3113, T replaced by A.
Molecular consequence: splice donor variant.
Genome position (GRCh38, 1-based): chr17:31,230,384, T>A. VCF-style: chr17-31230384-T-A. GRCh37 (hg19) VCF-style: chr17-29557402-T-A.
Other names: c.3113+2T>A (NM_000267.4).
Identifiers: ClinVar variation 1074026 (VCV001074026.5), dbSNP rs876658997, ClinGen allele CA398987765.